The following is an entry in ClinVar:

ClinVar aggregate classification (germline): Likely benign (0 of 4 stars; one submission).

Conditions:
PEG3-related disorder. Also called: PEG3-related condition.

Submission:

PreventionGenetics, part of Exact Sciences
Classification: Likely benign for PEG3-related condition. Last evaluated: 2020-07-20. Review status: no assertion criteria provided. Collection method: clinical testing. Allele origin: germline.
Comment: This variant is classified as likely benign based on ACMG/AMP sequence variant interpretation guidelines (Richards et al. 2015 PMID: 25741868, with internal and published modifications).

NM_006210.3(PEG3):c.4213GAAGTGGAGGCTGCTGAGCCA[1] (p.1398EVEAAEP[2])

Genes: PEG3 (paternally expressed 3; minus strand), ZIM2 (zinc finger imprinted 2; minus strand). Cytogenetic location: 19q13.43.
Variant type: Microsatellite.
Coding change: c.4213GAAGTGGAGGCTGCTGAGCCA[1] on transcript NM_006210.3 (MANE Select); one copy of the 21-base unit GAAGTGGAGGCTGCTGAGCCA starting at c.4213; the reference has two copies in a row; one copy, 21 bases deleted.
Protein change: p.1398EVEAAEP[2].
Molecular consequence: inframe deletion. On other transcripts: intron variant (11).
Genome position (GRCh38, 1-based): chr19:56,814,188-56,814,208, TGGCTCAGCAGCCTCCACTTC deleted on the plus strand (GAAGTGGAGGCTGCTGAGCCA on the coding strand, the reverse complement: PEG3 is on the minus strand); deleting any 21 consecutive bases within chr19:56,814,188-56,814,235 gives the same sequence; the position shown is the placement nearest the transcript's 3' end. VCF-style (leftmost placement, unchanged base first): chr19-56814187-TTGGCTCAGCAGCCTCCACTTC-T. GRCh37 (hg19) VCF-style: chr19-57325555-TTGGCTCAGCAGCCTCCACTTC-T.
Other names: NM_001146186.1:c.4234_4254del21; c.4213GAAGTGGAGGCTGCTGAGCCA[1], p.1398EVEAAEP[2] (NM_001146184.2); c.3835GAAGTGGAGGCTGCTGAGCCA[1], p.1272EVEAAEP[2] (NM_001146185.2); c.3841GAAGTGGAGGCTGCTGAGCCA[1], p.1274EVEAAEP[2] (NM_001146187.2, NM_001369720.1, NM_001369721.1 and 13 more transcripts); c.4219GAAGTGGAGGCTGCTGAGCCA[1], p.1400EVEAAEP[2] (NM_001369717.1, NM_001369718.1); c.4126GAAGTGGAGGCTGCTGAGCCA[1], p.1369EVEAAEP[2] (NM_001369719.1); c.3748GAAGTGGAGGCTGCTGAGCCA[1], p.1243EVEAAEP[2] (NM_001369734.1, NM_001369735.1, NM_001369736.1 and 2 more transcripts); c.397+4392_397+4412del (NM_015363.5, NM_001387358.1, NM_001146326.2 and 5 more transcripts); and 1 more.
Identifiers: ClinVar variation 3055579 (VCV003055579.2), dbSNP rs754092967, ClinGen allele CA9693083.